The following is an entry in ClinVar:

ClinVar aggregate classification (germline): Likely pathogenic. Review status: criteria provided, multiple submitters, no conflicts (2 of 4 stars). 2 submissions from 2 submitters: Likely pathogenic (2). Last evaluated 2024-02-07.

Conditions:
Autosomal recessive limb-girdle muscular dystrophy type 2J (LGMDR10). Also called: Limb-girdle muscular dystrophy, type 2J; MUSCULAR DYSTROPHY, LIMB-GIRDLE, AUTOSOMAL RECESSIVE 10. Identifiers: Orphanet 140922, MedGen C1837342, MONDO:0012127, OMIM 608807.
Dilated cardiomyopathy 1G (CMD1G). Identifiers: Orphanet 154, MedGen C1858763, MONDO:0011400, OMIM 604145.
Cardiovascular phenotype. Identifiers: MedGen CN230736.

Allele frequency attached by ClinVar (database versions not stated): TOPMed below 0.00001; gnomAD 0.00001.
gnomAD v4.1: 1 of 1,570,708 alleles (0.000064%); highest among the groups gnomAD compares: Non-Finnish European, 0.000086%; no homozygotes.

Submissions (2):

Ambry Genetics
Classification: Likely pathogenic for Cardiovascular phenotype. Last evaluated: 2024-02-07. Review status: criteria provided, single submitter. Criteria: Ambry Variant Classification Scheme 2023. Collection method: clinical testing. Allele origin: germline.
Comment: The c.21565+1G>T intronic variant results from a G to T substitution one nucleotide after coding exon 87 of the TTN gene. Exon 87 is located in the A-band region of the N2-B isoform of the titin protein and is constitutively expressed in TTN transcripts (percent spliced in or PSI 100%). This variant is considered to be rare based on population cohorts in the Genome Aggregation Database (gnomAD). This alteration disrupts the canonical splice site and is expected to cause aberrant splicing, resulting in an abnormal protein or a transcript that is subject to nonsense-mediated mRNA decay. While loss of function variants in TTN are present in 1-3% of the general population, truncating variants (a category that includes canonical splice site variants) in the A-band are the most common cause of dilated cardiomyopathy (DCM) (Herman DS et al. N. Engl. J. Med., 2012 Feb;366:619-28; Roberts AM et al. Sci Transl Med, 2015 Jan;7:270ra6). TTN truncating variants encoded in constitutive exons (PSI >90%) have been found to be significantly associated with DCM regardless of their position in titin (Schafer S et al. Nat. Genet., 2017 01;49:46-53). As such, this alteration is classified as likely pathogenic.

Labcorp Genetics (formerly Invitae), Labcorp
Classification: Likely pathogenic for Dilated cardiomyopathy 1G; Autosomal recessive limb-girdle muscular dystrophy type 2J. Last evaluated: 2023-06-22. Review status: criteria provided, single submitter. Criteria: Invitae Variant Classification Sherloc (09022015). Collection method: clinical testing. Allele origin: germline.
Comment: This sequence change affects a donor splice site in intron 260 of the TTN gene. It is expected to disrupt RNA splicing and likely results in a truncated or disrupted TTN protein. In summary, the currently available evidence indicates that the variant is pathogenic, but additional data are needed to prove that conclusively. Therefore, this variant has been classified as Likely Pathogenic. This variant is located in the A band of TTN (PMID: 25589632). Truncating variants in this region are significantly overrepresented in patients affected with dilated cardiomyopathy (PMID: 25589632). Truncating variants in this region have also been reported in individuals affected with autosomal recessive centronuclear myopathy (PMID: 23975875). Algorithms developed to predict the effect of sequence changes on RNA splicing suggest that this variant may disrupt the consensus splice site. ClinVar contains an entry for this variant (Variation ID: 1786814). This variant has not been reported in the literature in individuals affected with TTN-related conditions. This variant is not present in population databases (gnomAD no frequency).

Literature cited by the submitters: PubMed 25589632 (cited by Labcorp Genetics (formerly Invitae), Labcorp); PubMed 23975875 (cited by Labcorp Genetics (formerly Invitae), Labcorp).

NM_001267550.2(TTN):c.48760+1G>T

Genes: TTN-AS1 (TTN antisense RNA 1; plus strand), TTN (titin; minus strand), LOC126806426 (BRD4-independent group 4 enhancer GRCh37_chr2:179478848-179480047; plus strand). Cytogenetic location: 2q31.2.
Variant type: single nucleotide variant.
Coding change: c.48760+1G>T on transcript NM_001267550.2 (MANE Select); the canonical splice donor site of the intron after coding-DNA position 48760, G replaced by T.
Molecular consequence: splice donor variant.
Genome position (GRCh38, 1-based): chr2:178,614,846, C>A on the plus strand (G>T on the coding strand, the complement: TTN is on the minus strand). VCF-style: chr2-178614846-C-A. GRCh37 (hg19) VCF-style: chr2-179479573-C-A.
Other names: c.21565+1G>T (NM_003319.4); c.22141+1G>T (NM_133437.4); c.21940+1G>T (NM_133432.3); c.41056+1G>T (NM_133378.4); c.43837+1G>T (NM_001256850.1).
Identifiers: ClinVar variation 1786814 (VCV001786814.7), dbSNP rs1474000709, ClinGen allele CA349608127.